The following is an entry in ClinVar:

NM_173630.4(RTTN):c.1540A>T (p.Ile514Phe)

Gene: RTTN (rotatin; minus strand). Cytogenetic location: 18q22.2.
Variant type: single nucleotide variant.
Coding change: c.1540A>T on transcript NM_173630.4 (MANE Select); coding-DNA position 1540, A replaced by T.
Protein change: p.Ile514Phe; replaces isoleucine 514 with phenylalanine.
Molecular consequence: missense variant. On other transcripts: intron variant (1).
Genome position (GRCh38, 1-based): chr18:70,169,004, T>A on the plus strand (A>T on the coding strand, the complement: RTTN is on the minus strand). VCF-style: chr18-70169004-T-A. GRCh37 (hg19) VCF-style: chr18-67836240-T-A.
Other names: c.-1077-31A>T (NM_001318520.2); short protein forms I514F.
Identifiers: ClinVar variation 1967988 (VCV001967988.5), dbSNP rs761502781, ClinGen allele CA301937674.

ClinVar aggregate classification (germline): Uncertain significance (1 of 4 stars; one submission).

Allele frequency attached by ClinVar (database versions not stated): gnomAD 0.00002.
gnomAD v4.1: 3 of 1,612,854 alleles (0.00019%); highest among the groups gnomAD compares: Admixed American, 0.005%; no homozygotes.

Submission:

Labcorp Genetics (formerly Invitae), Labcorp
Classification: Uncertain significance. Last evaluated: 2022-10-17. Review status: criteria provided, single submitter. Criteria: Invitae Variant Classification Sherloc (09022015). Collection method: clinical testing. Allele origin: germline.
Comment: In summary, the available evidence is currently insufficient to determine the role of this variant in disease. Therefore, it has been classified as a Variant of Uncertain Significance. Advanced modeling of protein sequence and biophysical properties (such as structural, functional, and spatial information, amino acid conservation, physicochemical variation, residue mobility, and thermodynamic stability) performed at Invitae indicates that this missense variant is not expected to disrupt RTTN protein function. This variant has not been reported in the literature in individuals affected with RTTN-related conditions. This variant is not present in population databases (gnomAD no frequency). This sequence change replaces isoleucine, which is neutral and non-polar, with phenylalanine, which is neutral and non-polar, at codon 514 of the RTTN protein (p.Ile514Phe).